The following is an entry in ClinVar:

ClinVar aggregate classification (germline): Pathogenic. Review status: criteria provided, multiple submitters, no conflicts (2 of 4 stars). 4 submissions from 4 submitters: Pathogenic (4). Last evaluated 2023-10-20.

Conditions:
Duchenne muscular dystrophy (DMD). Also called: Duchenne Muscular Dystrophy (DMD); MUSCULAR DYSTROPHY, PSEUDOHYPERTROPHIC PROGRESSIVE, DUCHENNE TYPE. Identifiers: Orphanet 98896, MedGen C0013264, MONDO:0010679, OMIM 310200.

Submissions (4):

ARUP Laboratories, Molecular Genetics and Genomics, ARUP Laboratories
Classification: Pathogenic. Last evaluated: 2023-10-20. Review status: criteria provided, single submitter. Criteria: ARUP Molecular Germline Variant Investigation Process 2024. Collection method: clinical testing. Allele origin: germline.
Comment: The DMD c.2332C>T; p.Gln778Ter variant (rs398123883) is reported in the literature in individuals with Duchenne muscular dystrophy (Mah 2011). This variant is also reported in ClinVar (Variation ID: 94504). It is absent from the Genome Aggregation Database, indicating it is not a common polymorphism. This variant induces an early termination codon and is predicted to result in a truncated protein or mRNA subject to nonsense-mediated decay. Based on available information, this variant is considered to be pathogenic. References: Mah JK et al. A population-based study of dystrophin mutations in Canada. Can J Neurol Sci. 2011 May;38(3):465-74. PMID: 21515508.

Revvity Omics, Revvity
Classification: Pathogenic. Last evaluated: 2023-05-15. Review status: criteria provided, single submitter. Criteria: ACMG Guidelines, 2015. Collection method: clinical testing. Allele origin: germline.

Labcorp Genetics (formerly Invitae), Labcorp
Classification: Pathogenic for Duchenne muscular dystrophy. Last evaluated: 2017-02-22. Review status: criteria provided, single submitter. Criteria: Invitae Variant Classification Sherloc (09022015). Collection method: clinical testing. Allele origin: germline.
Comment: This sequence change creates a premature translational stop signal at codon 778 (p.Gln778*) of the DMD gene. It is expected to result in an absent or disrupted protein product. For these reasons, this variant has been classified as Pathogenic. Loss-of-function variants in DMD are known to be pathogenic. This particular variant has been reported in the literature in individuals affected with Duchenne muscular dystrophy (PMID: 21515508).

Eurofins Ntd Llc (ga)
Classification: Pathogenic. Last evaluated: 2013-04-19. Review status: criteria provided, single submitter. Criteria: EGL Classification Definitions 2015. Collection method: clinical testing. Allele origin: germline. Observed: 2 variant alleles, 2 hemizygotes.

Literature cited by the submitters: PubMed 21515508 (cited by Labcorp Genetics (formerly Invitae), Labcorp).

NM_004006.3(DMD):c.2332C>T (p.Gln778Ter)

Gene: DMD (dystrophin; minus strand). Cytogenetic location: Xp21.1.
Variant type: single nucleotide variant.
Coding change: c.2332C>T on transcript NM_004006.3 (MANE Select); coding-DNA position 2332, C replaced by T.
Protein change: p.Gln778Ter; replaces glutamine 778 with a stop codon.
Molecular consequence: nonsense.
Genome position (GRCh38, 1-based): chrX:32,501,803, G>A on the plus strand (C>T on the coding strand, the complement: DMD is on the minus strand). VCF-style: chrX-32501803-G-A. GRCh37 (hg19) VCF-style: chrX-32519920-G-A.
Other names: NP_003997.1:p.Gln778*; c.2308C>T, p.Gln770Ter (NM_000109.4); c.2320C>T, p.Gln774Ter (NM_004009.3); c.1963C>T, p.Gln655Ter (NM_004010.3); short protein forms Q778*, Q655*, Q774*, Q770*.
Identifiers: ClinVar variation 94504 (VCV000094504.15), dbSNP rs398123883, ClinGen allele CA266928.